The following is an entry in ClinVar:

NM_018238.4(AGK):c.804C>T (p.Thr268=)

Gene: AGK (acylglycerol kinase; plus strand). Cytogenetic location: 7q34.
Variant type: single nucleotide variant.
Coding change: c.804C>T on transcript NM_018238.4 (MANE Select); coding-DNA position 804, C replaced by T.
Protein change: p.Thr268=; no amino-acid change (threonine 268 retained).
Molecular consequence: synonymous variant.
Genome position (GRCh38, 1-based): chr7:141,641,325, C>T. VCF-style: chr7-141641325-C-T. GRCh37 (hg19) VCF-style: chr7-141341125-C-T.
Other names: c.804C>T, p.Thr268= (NM_001364948.3).
Identifiers: ClinVar variation 359063 (VCV000359063.19), dbSNP rs543549513, ClinGen allele CA4517587.

ClinVar aggregate classification (germline): Benign/Likely benign. Review status: criteria provided, multiple submitters, no conflicts (2 of 4 stars). 7 submissions from 6 submitters: Benign (1); Likely benign (6). Last evaluated 2026-08-01.

Conditions:
Sengers syndrome. Also called: MITOCHONDRIAL DNA DEPLETION SYNDROME 10 (CARDIOMYOPATHIC TYPE); Cardiomyopathy and cataract. Identifiers: Orphanet 1369, MedGen C1859317, MONDO:0008922, OMIM 212350.
Cataract 38. Also called: Cataract, autosomal recessive congenital 5; Cataract 38, autosomal recessive. Identifiers: Orphanet 91492, MedGen C3553494, MONDO:0013859, OMIM 614691.

Allele frequency attached by ClinVar (database versions not stated): gnomAD 0.00006; TOPMed 0.00010; 1000 Genomes Project 30x 0.00062; 1000 Genomes Project 0.00080.
gnomAD v4.1: 511 of 1,613,856 alleles (0.032%); highest among the groups gnomAD compares: South Asian, 0.39%; 4 homozygotes.

Submissions (7):

CeGaT Center for Human Genetics Tuebingen
Classification: Likely benign. Last evaluated: 2026-08-01. Review status: criteria provided, single submitter. Criteria: CeGaT Center For Human Genetics Tuebingen Variant Classification Criteria Version 2. Collection method: clinical testing. Allele origin: germline. Affected: yes. Observed: 1 variant allele.
Comment: AGK: BP4, BP7

Labcorp Genetics (formerly Invitae), Labcorp
Classification: Benign for Sengers syndrome; Cataract 38. Last evaluated: 2026-01-05. Review status: criteria provided, single submitter. Criteria: Invitae Variant Classification Sherloc (09022015). Collection method: clinical testing. Allele origin: germline.

Blueprint Genetics
Classification: Likely benign. Last evaluated: 2024-09-19. Review status: criteria provided, single submitter. Criteria: ACMG Guidelines, 2015. Collection method: clinical testing. Allele origin: germline.

GeneDx
Classification: Likely benign. Last evaluated: 2021-05-27. Review status: criteria provided, single submitter. Criteria: GeneDx Variant Classification Process June 2021. Collection method: clinical testing. Allele origin: germline. Affected: yes.

Illumina Laboratory Services, Illumina
Classification: Likely benign for Sengers syndrome. Last evaluated: 2018-01-12. Review status: criteria provided, single submitter. Criteria: ICSL Variant Classification Criteria 13 December 2019. Collection method: clinical testing. Allele origin: germline.
Comment: This variant was observed in the ICSL laboratory as part of a predisposition screen in an ostensibly healthy population. It had not been previously curated by ICSL or reported in the Human Gene Mutation Database (HGMD: prior to June 1st, 2018), and was therefore a candidate for classification through an automated scoring system. Utilizing variant allele frequency, disease prevalence and penetrance estimates, and inheritance mode, an automated score was calculated to assess if this variant is too frequent to cause the disease. Based on the score and internal cut-off values, a variant classified as likely benign is not then subjected to further curation. The score for this variant resulted in a classification of likely benign for this disease.

Illumina Laboratory Services, Illumina
Classification: Likely benign for Cataract 38. Last evaluated: 2018-01-12. Review status: criteria provided, single submitter. Criteria: ICSL Variant Classification Criteria 13 December 2019. Collection method: clinical testing. Allele origin: germline.
Comment: the same text as in the submission from Illumina Laboratory Services, Illumina above.

Breakthrough Genomics
Classification: Likely benign. Review status: criteria provided, single submitter. Criteria: ACMG Guidelines, 2015. Collection method: not provided. Allele origin: germline. Inheritance: Autosomal recessive inheritance. Affected: yes.